The following is an entry in ClinVar:

NM_017780.4(CHD7):c.6229_6230del (p.Arg2077fs)

Gene: CHD7 (chromodomain helicase DNA binding protein 7; plus strand). Cytogenetic location: 8q12.2.
Variant type: Microsatellite.
Coding change: c.6229_6230del on transcript NM_017780.4 (MANE Select); coding-DNA positions 6229 to 6230, 2 bases deleted (AG; older notation c.6229_6230delAG).
Protein change: p.Arg2077fs; shifts the reading frame from arginine 2077.
Molecular consequence: frameshift variant. On other transcripts: intron variant (1).
Genome position (GRCh38, 1-based): chr8:60,852,954-60,852,955, AG deleted; deleting any 2 consecutive bases within chr8:60,852,949-60,852,955 gives the same sequence; the c. name uses the placement nearest the transcript's 3' end. VCF-style (leftmost placement, unchanged base first): chr8-60852948-GGA-G. GRCh37 (hg19) VCF-style: chr8-61765507-GGA-G.
Other names: c.1717-9280GA[2] (NM_001316690.1); short protein forms R2077fs.
Identifiers: ClinVar variation 4813830 (VCV004813830.1).

ClinVar aggregate classification (germline): Pathogenic (1 of 4 stars; one submission).

Conditions:
CHD7-related CHARGE syndrome. Identifiers: MedGen CN380413, MONDO:1010178, OMIM 214800.

Submission:

Variantyx, Inc.
Classification: Pathogenic for CHD7-related CHARGE syndrome. Last evaluated: 2025-09-15. Review status: criteria provided, single submitter. Criteria: Variantyx Assertion Criteria 2022. Collection method: clinical testing. Allele origin: germline. Inheritance: Autosomal recessive inheritance. Affected: yes.
Comment: This is a frameshift variant in the CHD7 gene (OMIM: 608892). Pathogenic variants in this gene have been associated with autosomal dominant CHARGE syndrome. This variant introduces a premature termination codon in exon 31 out of 38 and is expected to result in loss of function, which is a known disease mechanism for CHD7 in this disorder (PMID: 22461308, 25077900) (PVS1). This variant is absent from control populations (PM2) and has not been reported in individuals with CHD7-related disorders in the databases available for review. Based on the current evidence, this variant is classified as pathogenic for autosomal dominant CHARGE syndrome.

Literature cited by the submitters: PubMed 22461308; PubMed 25077900.